The following is an entry in ClinVar:

NM_006767.4(LZTR1):c.489G>A (p.Thr163=)

Gene: LZTR1 (leucine zipper like post translational regulator 1; plus strand). Cytogenetic location: 22q11.21.
Variant type: single nucleotide variant.
Coding change: c.489G>A on transcript NM_006767.4 (MANE Select); coding-DNA position 489, G replaced by A.
Protein change: p.Thr163=; no amino-acid change (threonine 163 retained).
Molecular consequence: synonymous variant.
Genome position (GRCh38, 1-based): chr22:20,988,098, G>A. VCF-style: chr22-20988098-G-A. GRCh37 (hg19) VCF-style: chr22-21342387-G-A.
Identifiers: ClinVar variation 493335 (VCV000493335.50), dbSNP rs549102364, ClinGen allele CA10118447.

ClinVar aggregate classification (germline): Likely benign. Review status: criteria provided, multiple submitters, no conflicts (2 of 4 stars). 3 submissions from 3 submitters: Likely benign (3). Last evaluated 2026-01-11.

Conditions:
Hereditary cancer-predisposing syndrome. Also called: Hereditary neoplastic syndrome; Neoplastic Syndromes, Hereditary; Hereditary Cancer Syndrome; Tumor predisposition. Identifiers: Orphanet 140162, MedGen C0027672, MeSH D009386, MONDO:0015356.
Cardiovascular phenotype. Identifiers: MedGen CN230736.

Allele frequency attached by ClinVar (database versions not stated): TOPMed 0.00002; gnomAD 0.00003; 1000 Genomes Project 30x 0.00016; 1000 Genomes Project 0.00020; ExAC 0.00001; gnomAD exomes 0.00001.
gnomAD v4.1: 14 of 1,610,988 alleles (0.00087%); highest among the groups gnomAD compares: South Asian, 0.0044%; no homozygotes.

Submissions (3):

Labcorp Genetics (formerly Invitae), Labcorp
Classification: Likely benign. Last evaluated: 2026-01-11. Review status: criteria provided, single submitter. Criteria: Invitae Variant Classification Sherloc (09022015). Collection method: clinical testing. Allele origin: germline.

CeGaT Center for Human Genetics Tuebingen
Classification: Likely benign. Last evaluated: 2023-09-01. Review status: criteria provided, single submitter. Criteria: CeGaT Center For Human Genetics Tuebingen Variant Classification Criteria Version 2. Collection method: clinical testing. Allele origin: germline. Affected: yes. Observed: 2 variant alleles.
Comment: LZTR1: BP4, BP7

Ambry Genetics
Classification: Likely benign for Cardiovascular phenotype; Hereditary cancer-predisposing syndrome. Last evaluated: 2022-07-11. Review status: criteria provided, single submitter. Criteria: Ambry Variant Classification Scheme 2023. Collection method: clinical testing. Allele origin: germline.